The following is an entry in ClinVar:

NM_003661.4(APOL1):c.448G>A (p.Glu150Lys)

Gene: APOL1 (apolipoprotein L1; plus strand). Cytogenetic location: 22q12.3.
Variant type: single nucleotide variant.
Coding change: c.448G>A on transcript NM_003661.4 (MANE Select); coding-DNA position 448, G replaced by A.
Protein change: p.Glu150Lys; replaces glutamic acid 150 with lysine.
Molecular consequence: missense variant.
Genome position (GRCh38, 1-based): chr22:36,265,284, G>A. VCF-style: chr22-36265284-G-A. GRCh37 (hg19) VCF-style: chr22-36661330-G-A.
Other names: c.448G>A, p.Glu150Lys (NM_001136540.2); c.394G>A, p.Glu132Lys (NM_001136541.2, NM_001362927.2); c.496G>A, p.Glu166Lys (NM_145343.3); short protein forms E132K, E150K, E166K.
Identifiers: ClinVar variation 1168875 (VCV001168875.16), dbSNP rs2239785, ClinGen allele CA10208680.
Genomic context (GRCh38, chr22:36,265,284, plus strand): 5'-CACGATAAAGGCCAGCAGTACAGAAACTGGTTTCTGAAAGAGTTTCCTCGGTTGAAAAGT[G>A]AGCTTGAGGATAACATAAGAAGGCTCCGTGCCCTTGCAGATGGGGTTCAGAAGGTCCACA-3'
Protein context (NP_003652.2, residues 140-160): FLKEFPRLKS[Glu150Lys]LEDNIRRLRA

ClinVar aggregate classification (germline): Benign. Review status: criteria provided, multiple submitters, no conflicts (2 of 4 stars). 5 submissions from 5 submitters: Benign (5). Last evaluated 2026-02-04.

Allele frequency attached by ClinVar (database versions not stated): ESP Exome Variant Server 0.65285; 1000 Genomes Project 30x 0.66771; TOPMed 0.66899; gnomAD 0.67363 and 0.68364; 1000 Genomes Project 0.67812; ExAC 0.78000; gnomAD exomes 0.79146.
gnomAD v4.1: 1,272,876 of 1,613,690 alleles (79%); highest among the groups gnomAD compares: Admixed American, 86%; 510,429 homozygotes.

Submissions (5):

Labcorp Genetics (formerly Invitae), Labcorp
Classification: Benign. Last evaluated: 2026-02-04. Review status: criteria provided, single submitter. Criteria: Invitae Variant Classification Sherloc (09022015). Collection method: clinical testing. Allele origin: germline.

Blueprint Genetics
Classification: Benign. Last evaluated: 2024-11-28. Review status: criteria provided, single submitter. Criteria: ACMG Guidelines, 2015. Collection method: clinical testing. Allele origin: germline.

Unidad de Genómica Garrahan, Hospital de Pediatría Garrahan
Classification: Benign. Last evaluated: 2024-07-15. Review status: criteria provided, single submitter. Criteria: ACMG Guidelines, 2015. Collection method: clinical testing. Allele origin: germline. Affected: no. Observed: 92 variant alleles.
Comment: This variant is classified as Benign based on local population frequency. This variant was detected in 99% of patients studied in a panel designed for Epileptic and Developmental Encephalopathy and Progressive Myoclonus Epilepsy. Number of patients: 92. Only high quality variants are reported.

GeneDx
Classification: Benign. Last evaluated: 2018-11-10. Review status: criteria provided, single submitter. Criteria: GeneDx Variant Classification Process June 2021. Collection method: clinical testing. Allele origin: germline. Affected: yes.
Comment: This variant is associated with the following publications: (PMID: 19239905, 22239288)

Breakthrough Genomics
Classification: Benign. Review status: criteria provided, single submitter. Criteria: ACMG Guidelines, 2015. Collection method: not provided. Allele origin: germline. Inheritance: Unknown mechanism. Affected: yes.